The following is an entry in ClinVar:

ClinVar aggregate classification (germline): Pathogenic/Likely pathogenic. Review status: criteria provided, multiple submitters, no conflicts (2 of 4 stars). 2 submissions from 2 submitters: Pathogenic (1); Likely pathogenic (1). Last evaluated 2025-11-22.

Conditions:
Autosomal dominant SCN8A-related disorders.

Allele frequency attached by ClinVar (database versions not stated): gnomAD exomes below 0.00001.

Submissions (2):

Variantyx, Inc.
Classification: Likely pathogenic for Autosomal dominant SCN8A-related disorders. Last evaluated: 2025-11-22. Review status: criteria provided, single submitter. Criteria: Variantyx Assertion Criteria 2022. Collection method: clinical testing. Allele origin: germline. Inheritance: Autosomal dominant inheritance. Affected: yes.
Comment: This is a nonsense variant in the SCN8A gene (OMIM: 600702). Pathogenic variants in this gene have been associated with autosomal dominant SCN8A-related disorders. This variant introduces a premature termination codon in exon 16 out of 27an d is expected to result in loss of function, which is a known disease mechanism for SCN8A-related disorders (PMID: 39556335, 32651551) (PVS1). This variant has a 0.0014% maximum allele frequency in non-founder control populations (PM2). Based on the evidence, this variant is classified as likely pathogenic for autosomal dominant SCN8A-related disorders, with the following lines of evidence: PVS1, PM2.

GeneDx
Classification: Pathogenic. Last evaluated: 2025-06-02. Review status: criteria provided, single submitter. Criteria: GeneDx Variant Classification Process June 2021. Collection method: clinical testing. Allele origin: germline. Affected: yes.
Comment: Not observed at significant frequency in large population cohorts (gnomAD); Nonsense variant predicted to result in protein truncation or nonsense mediated decay in a gene for which loss-of-function is a known mechanism of disease; Has not been previously published as pathogenic or benign to our knowledge

Literature cited by the submitters: PubMed 32651551 (cited by Variantyx, Inc.); PubMed 19254928 (cited by Variantyx, Inc.).

NM_001330260.2(SCN8A):c.2548C>T (p.Arg850Ter)

Gene: SCN8A (sodium voltage-gated channel alpha subunit 8; plus strand). Cytogenetic location: 12q13.13.
Variant type: single nucleotide variant.
Coding change: c.2548C>T on transcript NM_001330260.2 (MANE Select); coding-DNA position 2548, C replaced by T.
Protein change: p.Arg850Ter; replaces arginine 850 with a stop codon.
Molecular consequence: nonsense.
Genome position (GRCh38, 1-based): chr12:51,765,674, C>T. VCF-style: chr12-51765674-C-T. GRCh37 (hg19) VCF-style: chr12-52159458-C-T.
Other names: c.2548C>T, p.Arg850Ter (NM_001177984.3, NM_001369788.1, NM_014191.4); short protein forms R850*.
Identifiers: ClinVar variation 1197048 (VCV001197048.5), dbSNP rs1555225782, ClinGen allele CA384886453.